The following is an entry in ClinVar:

NM_020117.11(LARS1):c.1589+18A>G

Gene: LARS1 (leucyl-tRNA synthetase 1; minus strand). Cytogenetic location: 5q32.
Variant type: single nucleotide variant.
Coding change: c.1589+18A>G on transcript NM_020117.11 (MANE Select); 18 bases into the intron after coding-DNA position 1589, A replaced by G.
Molecular consequence: intron variant.
Genome position (GRCh38, 1-based): chr5:146,144,606, T>C on the plus strand (A>G on the coding strand, the complement: LARS1 is on the minus strand). VCF-style: chr5-146144606-T-C. GRCh37 (hg19) VCF-style: chr5-145524169-T-C.
Other names: c.1427+18A>G (NM_001317965.2); c.1508+18A>G (NM_016460.4); c.1451+18A>G (NM_001317964.2).
Identifiers: ClinVar variation 390419 (VCV000390419.5), dbSNP rs374629631, ClinGen allele CA3489575.

ClinVar aggregate classification (germline): Likely benign. Review status: criteria provided, multiple submitters, no conflicts (2 of 4 stars). 2 submissions from 2 submitters: Likely benign (2). Last evaluated 2026-01-17.

Allele frequency attached by ClinVar (database versions not stated): ESP Exome Variant Server 0.00008; ExAC 0.00012; gnomAD exomes 0.00017; gnomAD 0.00027 and 0.00028; TOPMed 0.00030.
gnomAD v4.1: 183 of 1,613,554 alleles (0.011%); highest among the groups gnomAD compares: Admixed American, 0.087%; no homozygotes.

Submissions (2):

Labcorp Genetics (formerly Invitae), Labcorp
Classification: Likely benign. Last evaluated: 2026-01-17. Review status: criteria provided, single submitter. Criteria: Invitae Variant Classification Sherloc (09022015). Collection method: clinical testing. Allele origin: germline.

GeneDx
Classification: Likely benign. Last evaluated: 2016-11-04. Review status: criteria provided, single submitter. Criteria: GeneDx Variant Classification (06012015). Collection method: clinical testing. Allele origin: germline. Affected: yes.
Comment: This variant is considered likely benign or benign based on one or more of the following criteria: it is a conservative change, it occurs at a poorly conserved position in the protein, it is predicted to be benign by multiple in silico algorithms, and/or has population frequency not consistent with disease.